The following is an entry in ClinVar:

ClinVar aggregate classification (germline): Uncertain significance (1 of 4 stars; one submission).

Conditions:
Hereditary breast ovarian cancer syndrome. Also called: Hereditary breast and ovarian cancer syndrome; Hereditary breast and ovarian cancer syndrome (HBOC); BRCA1- and BRCA2-Associated Hereditary Breast and Ovarian Cancer; Hereditary breast and ovarian cancer; Breast and ovarian cancer; Hereditary breast and/or ovarian cancer syndrome. Identifiers: Orphanet 145, MedGen C0677776, MeSH D061325, MONDO:0003582. Disease mechanism: loss of function.

Submission:

Labcorp Genetics (formerly Invitae), Labcorp
Classification: Uncertain significance for Hereditary breast ovarian cancer syndrome. Last evaluated: 2024-12-17. Review status: criteria provided, single submitter. Criteria: Invitae Variant Classification Sherloc (09022015). Collection method: clinical testing. Allele origin: germline.
Comment: This sequence change replaces alanine, which is neutral and non-polar, with glutamic acid, which is acidic and polar, at codon 2227 of the BRCA2 protein (p.Ala2227Glu). This variant is not present in population databases (gnomAD no frequency). This variant has not been reported in the literature in individuals affected with BRCA2-related conditions. Invitae Evidence Modeling of protein sequence and biophysical properties (such as structural, functional, and spatial information, amino acid conservation, physicochemical variation, residue mobility, and thermodynamic stability) indicates that this missense variant is not expected to disrupt BRCA2 protein function with a negative predictive value of 95%. In summary, the available evidence is currently insufficient to determine the role of this variant in disease. Therefore, it has been classified as a Variant of Uncertain Significance.

NM_000059.4(BRCA2):c.6680C>A (p.Ala2227Glu)

Gene: BRCA2 (BRCA2 DNA repair associated; plus strand). Cytogenetic location: 13q13.1.
Variant type: single nucleotide variant.
Coding change: c.6680C>A on transcript NM_000059.4 (MANE Select); coding-DNA position 6680, C replaced by A.
Protein change: p.Ala2227Glu; replaces alanine 2227 with glutamic acid.
Molecular consequence: missense variant. On other transcripts: non-coding transcript variant (1), intron variant (2).
Genome position (GRCh38, 1-based): chr13:32,341,035, C>A. VCF-style: chr13-32341035-C-A. GRCh37 (hg19) VCF-style: chr13-32915172-C-A.
Other names: c.6680C>A, p.Ala2227Glu (NM_001406719.1, NM_001406720.1, NM_001432077.1); c.1910-3523C>A (NM_001406721.1); c.425-3523C>A (NM_001406722.1); short protein forms A2227E.
Identifiers: ClinVar variation 3636511 (VCV003636511.2).